The following is an entry in ClinVar:

ClinVar aggregate classification (germline): Pathogenic. Review status: criteria provided, multiple submitters, no conflicts (2 of 4 stars). 2 submissions from 2 submitters: Pathogenic (2). Last evaluated 2025-12-17.

Conditions:
Familial cancer of breast. Also called: Hereditary breast cancer; hereditary breast carcinoma; BREAST CANCER, FAMILIAL. Identifiers: Orphanet 227535, MedGen C0346153, MONDO:0016419, OMIM 114480. Disease mechanism: loss of function.

Submissions (2):

Labcorp Genetics (formerly Invitae), Labcorp
Classification: Pathogenic for Familial cancer of breast. Last evaluated: 2025-12-17. Review status: criteria provided, single submitter. Criteria: Invitae Variant Classification Sherloc (09022015). Collection method: clinical testing. Allele origin: germline.
Comment: This sequence change creates a premature translational stop signal (p.Ala200Leufs*13) in the BARD1 gene. It is expected to result in an absent or disrupted protein product. Loss-of-function variants in BARD1 are known to be pathogenic (PMID: 20077502, 21344236). This variant is not present in population databases (gnomAD no frequency). This variant has not been reported in the literature in individuals affected with BARD1-related conditions. ClinVar contains an entry for this variant (Variation ID: 654392). For these reasons, this variant has been classified as Pathogenic.

Myriad Genetics, Inc.
Classification: Pathogenic for Familial cancer of breast. Last evaluated: 2023-05-19. Review status: criteria provided, single submitter. Criteria: Myriad Autosomal Dominant, Autosomal Recessive and X-Linked Classification Criteria (2023). Collection method: clinical testing. Allele origin: unknown.
Comment: This variant is considered pathogenic. This variant creates a frameshift predicted to result in premature protein truncation.

Literature cited by the submitters: PubMed 20077502 (cited by Labcorp Genetics (formerly Invitae), Labcorp); PubMed 21344236 (cited by Labcorp Genetics (formerly Invitae), Labcorp).

NM_000465.4(BARD1):c.596_597dup (p.Ala200fs)

Gene: BARD1 (BRCA1 associated RING domain 1; minus strand). Cytogenetic location: 2q35.
Variant type: Duplication.
Coding change: c.596_597dup on transcript NM_000465.4 (MANE Select); coding-DNA positions 596 to 597, 2 bases duplicated (CT; older notation c.596_597dupCT).
Protein change: p.Ala200fs; shifts the reading frame from alanine 200.
Molecular consequence: frameshift variant. On other transcripts: non-coding transcript variant (2), intron variant (3).
Genome position (GRCh38, 1-based): chr2:214,781,277-214,781,278, AG duplicated on the plus strand (CT on the coding strand, the reverse complement: BARD1 is on the minus strand); duplicating any 2 consecutive bases within chr2:214,781,277-214,781,279 gives the same sequence; the c. name uses the placement nearest the transcript's 3' end. VCF-style (leftmost placement, unchanged base first): chr2-214781276-C-CAG. GRCh37 (hg19) VCF-style: chr2-215646000-C-CAG.
Other names: c.539_540dup, p.Ala181fs (NM_001282543.2); c.158+28134_158+28135dup (NM_001282548.2); c.215+15783_215+15784dup (NM_001282545.2); c.364+11019_364+11020dup (NM_001282549.2); short protein forms A200fs, A181fs.
Identifiers: ClinVar variation 654392 (VCV000654392.9), dbSNP rs1574820590, ClinGen allele CA915941693.